The following is an entry in ClinVar:

ClinVar aggregate classification (germline): Uncertain significance. Review status: criteria provided, multiple submitters, no conflicts (2 of 4 stars). 2 submissions from 2 submitters: Uncertain significance (2). Last evaluated 2025-08-07.

Conditions:
Inborn genetic diseases. Identifiers: MedGen C0950123, MeSH D030342.

Allele frequency attached by ClinVar (database versions not stated): ExAC 0.00001; gnomAD exomes 0.00001; gnomAD 0.00003; TOPMed 0.00006.
gnomAD v4.1: 9 of 1,613,920 alleles (0.00056%); highest among the groups gnomAD compares: African/African-American, 0.011%; no homozygotes.

Submissions (2):

Ambry Genetics
Classification: Uncertain significance for Inborn genetic diseases. Last evaluated: 2025-08-07. Review status: criteria provided, single submitter. Criteria: Ambry Variant Classification Scheme 2023. Collection method: clinical testing. Allele origin: germline.

Labcorp Genetics (formerly Invitae), Labcorp
Classification: Uncertain significance. Last evaluated: 2025-05-06. Review status: criteria provided, single submitter. Criteria: Invitae Variant Classification Sherloc (09022015). Collection method: clinical testing. Allele origin: germline.
Comment: This sequence change replaces proline, which is neutral and non-polar, with leucine, which is neutral and non-polar, at codon 890 of the POLR1A protein (p.Pro890Leu). This variant is present in population databases (rs769183875, gnomAD 0.01%). This variant has not been reported in the literature in individuals affected with POLR1A-related conditions. ClinVar contains an entry for this variant (Variation ID: 2976392). Invitae Evidence Modeling of protein sequence and biophysical properties (such as structural, functional, and spatial information, amino acid conservation, physicochemical variation, residue mobility, and thermodynamic stability) indicates that this missense variant is expected to disrupt POLR1A protein function with a positive predictive value of 80%. In summary, the available evidence is currently insufficient to determine the role of this variant in disease. Therefore, it has been classified as a Variant of Uncertain Significance.

NM_015425.6(POLR1A):c.2669C>T (p.Pro890Leu)

Gene: POLR1A (RNA polymerase I subunit A; minus strand). Cytogenetic location: 2p11.2.
Variant type: single nucleotide variant.
Coding change: c.2669C>T on transcript NM_015425.6 (MANE Select); coding-DNA position 2669, C replaced by T.
Protein change: p.Pro890Leu; replaces proline 890 with leucine.
Molecular consequence: missense variant.
Genome position (GRCh38, 1-based): chr2:86,047,229, G>A on the plus strand (C>T on the coding strand, the complement: POLR1A is on the minus strand). VCF-style: chr2-86047229-G-A. GRCh37 (hg19) VCF-style: chr2-86274352-G-A.
Other names: c.2669C>T (NM_015425.3); short protein forms P890L.
Identifiers: ClinVar variation 2976392 (VCV002976392.4), dbSNP rs769183875, ClinGen allele CA1745986.